The following is an entry in ClinVar:

ClinVar aggregate classification (germline): Likely benign. Review status: criteria provided, multiple submitters, no conflicts (2 of 4 stars). 5 submissions from 5 submitters: Likely benign (4). 1 of the submissions does not count toward it. Last evaluated 2026-05-01.

Conditions:
Inborn genetic diseases. Identifiers: MedGen C0950123, MeSH D030342.
Epilepsy. Also called: Seizure disorder. Identifiers: MedGen C0014544, MeSH D004827, MONDO:0005027.
PIGQ-related disorder. Also called: PIGQ-related condition.

Allele frequency attached by ClinVar (database versions not stated): ESP Exome Variant Server 0.00008; 1000 Genomes Project 0.00020; TOPMed 0.00028; gnomAD 0.00036 and 0.00043; 1000 Genomes Project 30x 0.00047; gnomAD exomes 0.00060 and 0.00071; ExAC 0.00069.

Submissions (5):

CeGaT Center for Human Genetics Tuebingen
Classification: Likely benign. Last evaluated: 2026-05-01. Review status: criteria provided, single submitter. Criteria: CeGaT Center For Human Genetics Tuebingen Variant Classification Criteria Version 2. Collection method: clinical testing. Allele origin: germline. Affected: yes. Observed: 3 variant alleles.
Comment: PIGQ: BP4, BS2

Labcorp Genetics (formerly Invitae), Labcorp
Classification: Likely benign for Epilepsy. Last evaluated: 2026-02-02. Review status: criteria provided, single submitter. Criteria: Invitae Variant Classification Sherloc (09022015). Collection method: clinical testing. Allele origin: germline.

Blueprint Genetics
Classification: Likely benign. Last evaluated: 2024-10-14. Review status: criteria provided, single submitter. Criteria: ACMG Guidelines, 2015. Collection method: clinical testing. Allele origin: germline.

Ambry Genetics
Classification: Likely benign for Inborn genetic diseases. Last evaluated: 2023-03-21. Review status: criteria provided, single submitter. Criteria: Ambry Variant Classification Scheme 2023. Collection method: clinical testing. Allele origin: germline.

PreventionGenetics, part of Exact Sciences
Classification: Likely benign for PIGQ-related condition. Last evaluated: 2022-03-01. Review status: no assertion criteria provided. Collection method: clinical testing. Allele origin: germline. Not counted in ClinVar's aggregate classification.
Comment: This variant is classified as likely benign based on ACMG/AMP sequence variant interpretation guidelines (Richards et al. 2015 PMID: 25741868, with internal and published modifications).

NM_004204.5(PIGQ):c.41C>T (p.Thr14Met)

Gene: PIGQ (phosphatidylinositol glycan anchor biosynthesis class Q; plus strand). Cytogenetic location: 16p13.3.
Variant type: single nucleotide variant.
Coding change: c.41C>T on transcript NM_004204.5 (MANE Select); coding-DNA position 41, C replaced by T.
Protein change: p.Thr14Met; replaces threonine 14 with methionine.
Molecular consequence: missense variant.
Genome position (GRCh38, 1-based): chr16:574,115, C>T. VCF-style: chr16-574115-C-T. GRCh37 (hg19) VCF-style: chr16-624115-C-T.
Other names: c.41C>T, p.Thr14Met (NM_148920.4); c.41C>T (NM_148920.1); short protein forms T14M.
Identifiers: ClinVar variation 526290 (VCV000526290.39), dbSNP rs200914759, ClinGen allele CA7779762.